The following is an entry in ClinVar:

ClinVar aggregate classification (germline): Pathogenic. Review status: criteria provided, multiple submitters, no conflicts (2 of 4 stars). 5 submissions from 5 submitters: Pathogenic (5). Last evaluated 2025-11-27.

Conditions:
RPGR-related disorder. Also called: RPGR-related condition.
Retinal dystrophy. Also called: Inherited retinal dystrophy. Identifiers: Orphanet 71862, MedGen C0854723, MeSH D058499, MONDO:0019118, HP:0000556.
Primary ciliary dyskinesia. Also called: Ciliary dyskinesia. Identifiers: Orphanet 244, MedGen C0008780, MONDO:0016575, HP:0012265.
Retinitis pigmentosa 3. Also called: CHOROIDORETINAL DEGENERATION WITH RETINAL REFLEX IN HETEROZYGOUS WOMEN. Identifiers: Orphanet 791, MedGen C1845667, MONDO:0010227, OMIM 300029.

Submissions (5):

Labcorp Genetics (formerly Invitae), Labcorp
Classification: Pathogenic for Primary ciliary dyskinesia. Last evaluated: 2025-11-27. Review status: criteria provided, single submitter. Criteria: Invitae Variant Classification Sherloc (09022015). Collection method: clinical testing. Allele origin: germline.
Comment: This sequence change creates a premature translational stop signal (p.Glu949Lysfs*140) in the RPGR (ORF15) gene. While this is not anticipated to result in nonsense mediated decay, it is expected to disrupt the last 204 amino acid(s) of the RPGR (ORF15) protein. The frequency data for this variant in the population databases is considered unreliable, as metrics indicate insufficient coverage at this position in the gnomAD database. This premature translational stop signal has been observed in individual(s) with retinitis pigmentosa (PMID: 17195164). This variant is also known as g.ORF15+1092delG (p.ORF15+E364fs). ClinVar contains an entry for this variant (Variation ID: 871129). This variant disrupts a region of the RPGR (ORF15) protein in which other variant(s) (p.Leu1130Lysfs*13) have been determined to be pathogenic (PMID: 22264887; internal data). This suggests that this is a clinically significant region of the protein, and that variants that disrupt it are likely to be disease-causing. For these reasons, this variant has been classified as Pathogenic.

Institute of Medical Genetics and Applied Genomics, University Hospital Tübingen
Classification: Pathogenic for Retinitis pigmentosa 3. Last evaluated: 2024-03-05. Review status: criteria provided, single submitter. Criteria: ACMG Guidelines, 2015. Collection method: clinical testing. Allele origin: germline. Inheritance: X-linked recessive inheritance. Affected: yes.

Blueprint Genetics
Classification: Pathogenic for RPGR-related disorders. Last evaluated: 2021-01-13. Review status: criteria provided, single submitter. Criteria: ACMG Guidelines, 2015. Collection method: clinical testing. Allele origin: germline. Affected: yes. Observed: 3 variant alleles.

CeGaT Center for Human Genetics Tuebingen
Classification: Pathogenic. Last evaluated: 2018-01-01. Review status: criteria provided, single submitter. Criteria: CeGaT Center For Human Genetics Tuebingen Variant Classification Criteria Version 2. Collection method: clinical testing. Allele origin: germline. Affected: yes. Observed: 1 variant allele.

Institute of Human Genetics, Univ. Regensburg, Univ. Regensburg
Classification: Pathogenic for Retinal dystrophy. Last evaluated: 2008-01-01. Review status: criteria provided, single submitter. Criteria: ACMG Guidelines, 2015. Collection method: clinical testing. Allele origin: germline. Affected: yes.

Literature cited by the submitters: PubMed 17195164 (cited by Labcorp Genetics (formerly Invitae), Labcorp and Institute of Human Genetics, Univ. Regensburg, Univ. Regensburg); PubMed 22264887 (cited by Labcorp Genetics (formerly Invitae), Labcorp); PubMed 349855 (cited by Institute of Human Genetics, Univ. Regensburg, Univ. Regensburg).

NM_001034853.2(RPGR):c.2845del (p.Glu949fs)

Gene: RPGR (retinitis pigmentosa GTPase regulator; minus strand). Cytogenetic location: Xp11.4.
Variant type: Deletion.
Coding change: c.2845del on transcript NM_001034853.2 (MANE Select); coding-DNA position 2845, one base deleted (G; older notation c.2845delG).
Protein change: p.Glu949fs; shifts the reading frame from glutamic acid 949.
Molecular consequence: frameshift variant. On other transcripts: intron variant (8).
Genome position (GRCh38, 1-based): chrX:38,286,154, C deleted on the plus strand (G on the coding strand, the reverse complement: RPGR is on the minus strand); the first of 5 consecutive C bases (chrX:38,286,154-38,286,158); deleting any one gives the same sequence. VCF-style (leftmost placement, unchanged base first): chrX-38286153-TC-T. GRCh37 (hg19) VCF-style: chrX-38145406-TC-T.
Other names: c.1569+4805del (NM_001367249.1, NM_001367250.1); c.1902+940del (NM_001367245.1); c.1386+4805del (NM_001367251.1); c.1719+940del (NM_001367246.1); c.1572+4805del (NM_001367247.1); c.1905+940del (NM_000328.3); c.1602+4805del (NM_001367248.1); short protein forms E949fs.
Identifiers: ClinVar variation 871129 (VCV000871129.48), dbSNP rs2067148119, ClinGen allele CA1139667414.